The following is an entry in ClinVar:

NM_001103.4(ACTN2):c.1460G>T (p.Cys487Phe)

Gene: ACTN2 (actinin alpha 2; plus strand). Cytogenetic location: 1q43.
Variant type: single nucleotide variant.
Coding change: c.1460G>T on transcript NM_001103.4 (MANE Select); coding-DNA position 1460, G replaced by T.
Protein change: p.Cys487Phe; replaces cysteine 487 with phenylalanine.
Molecular consequence: missense variant.
Genome position (GRCh38, 1-based): chr1:236,747,720, G>T. VCF-style: chr1-236747720-G-T. GRCh37 (hg19) VCF-style: chr1-236911020-G-T.
Other names: c.1460G>T, p.Cys487Phe (NM_001278343.2); c.836G>T, p.Cys279Phe (NM_001278344.2); short protein forms C487F, C279F.
Identifiers: ClinVar variation 179093 (VCV000179093.9), dbSNP rs727504619, ClinGen allele CA183708.

ClinVar aggregate classification (germline): Uncertain significance. Review status: criteria provided, multiple submitters, no conflicts (2 of 4 stars). 2 submissions from 2 submitters: Uncertain significance (2). Last evaluated 2022-04-12.

Conditions:
Dilated cardiomyopathy 1AA (CMD1AA). Also called: CARDIOMYOPATHY, DILATED, 1AA, WITH OR WITHOUT LEFT VENTRICULAR NONCOMPACTION; CARDIOMYOPATHY, FAMILIAL HYPERTROPHIC, 23, WITH OR WITHOUT LEFT VENTRICULAR NONCOMPACTION; Cardiomyopathy, dilated, 1AA, with or without LVNC. Identifiers: Orphanet 154, MedGen C2677338, MONDO:0012808, OMIM 612158.
Primary familial hypertrophic cardiomyopathy (HCM). Identifiers: Orphanet 99739, MedGen C0949658, MeSH D024741, MONDO:0024573. Inheritance: Various modes of inheritance.

Submissions (2):

Labcorp Genetics (formerly Invitae), Labcorp
Classification: Uncertain significance for Primary familial hypertrophic cardiomyopathy; Dilated cardiomyopathy 1AA. Last evaluated: 2022-04-12. Review status: criteria provided, single submitter. Criteria: Invitae Variant Classification Sherloc (09022015). Collection method: clinical testing. Allele origin: germline.
Comment: This sequence change replaces cysteine, which is neutral and slightly polar, with phenylalanine, which is neutral and non-polar, at codon 487 of the ACTN2 protein (p.Cys487Phe). This variant is not present in population databases (gnomAD no frequency). This variant has not been reported in the literature in individuals affected with ACTN2-related conditions. ClinVar contains an entry for this variant (Variation ID: 179093). Advanced modeling of protein sequence and biophysical properties (such as structural, functional, and spatial information, amino acid conservation, physicochemical variation, residue mobility, and thermodynamic stability) performed at Invitae indicates that this missense variant is not expected to disrupt ACTN2 protein function. In summary, the available evidence is currently insufficient to determine the role of this variant in disease. Therefore, it has been classified as a Variant of Uncertain Significance.

Laboratory for Molecular Medicine, Mass General Brigham Personalized Medicine
Classification: Uncertain significance. Last evaluated: 2013-07-05. Review status: criteria provided, single submitter. Criteria: LMM Criteria. Collection method: clinical testing. Allele origin: germline. Observed: 1 variant allele.
Comment: The Cys487Phe variant in ACTN2 has not been reported in individuals with cardiom yopathy or in large population studies. Computational analyses (biochemical amin o acid properties, conservation, AlignGVGD, PolyPhen2, and SIFT) suggest that th is variant may impact the protein, though this information is not predictive eno ugh to determine pathogenicity. Additional information is needed to fully assess the clinical significance of this variant.